The following is an entry in ClinVar:

NM_016239.4(MYO15A):c.3006del (p.Lys1003fs)

Gene: MYO15A (myosin XVA; plus strand). Cytogenetic location: 17p11.2.
Variant type: Deletion.
Coding change: c.3006del on transcript NM_016239.4 (MANE Select); coding-DNA position 3006, one base deleted (C; older notation c.3006delC).
Protein change: p.Lys1003fs; shifts the reading frame from lysine 1003.
Molecular consequence: frameshift variant.
Genome position (GRCh38, 1-based): chr17:18,121,806, C deleted; the last of 2 consecutive C bases (chr17:18,121,805-18,121,806); deleting either gives the same sequence. VCF-style (leftmost placement, unchanged base first): chr17-18121804-AC-A. GRCh37 (hg19) VCF-style: chr17-18025118-AC-A.
Other names: short protein forms K1003fs.
Identifiers: ClinVar variation 929937 (VCV000929937.7), dbSNP rs1162296750, ClinGen allele CA726640326.

ClinVar aggregate classification (germline): Pathogenic/Likely pathogenic. Review status: criteria provided, multiple submitters, no conflicts (2 of 4 stars). 2 submissions from 2 submitters: Pathogenic (1); Likely pathogenic (1). Last evaluated 2023-01-19.

Conditions:
Rare genetic deafness. Identifiers: Orphanet 96210, MedGen C5680250.

Submissions (2):

Labcorp Genetics (formerly Invitae), Labcorp
Classification: Pathogenic. Last evaluated: 2023-01-19. Review status: criteria provided, single submitter. Criteria: Invitae Variant Classification Sherloc (09022015). Collection method: clinical testing. Allele origin: germline.
Comment: For these reasons, this variant has been classified as Pathogenic. ClinVar contains an entry for this variant (Variation ID: 929937). This variant has not been reported in the literature in individuals affected with MYO15A-related conditions. This variant is not present in population databases (gnomAD no frequency). This sequence change creates a premature translational stop signal (p.Lys1003Asnfs*55) in the MYO15A gene. It is expected to result in an absent or disrupted protein product. Loss-of-function variants in MYO15A are known to be pathogenic (PMID: 17546645).

Laboratory for Molecular Medicine, Mass General Brigham Personalized Medicine
Classification: Likely pathogenic for Rare genetic deafness. Last evaluated: 2020-04-02. Review status: criteria provided, single submitter. Criteria: LMM Criteria. Collection method: clinical testing. Allele origin: germline. Inheritance: Autosomal recessive inheritance. Observed: 2 variant alleles.
Comment: The p.Lys1003AsnfsX55 variant in MYO15A has not been previously reported in individuals with hearing loss and was absent from large population studies. This variant is predicted to cause a frameshift, which alters the proteinâ€™s amino acid sequence beginning at position 1003 and leads to a premature termination codon 55 amino acids downstream. This alteration is then predicted to lead to a truncated or absent protein. Loss of function of the MYO15A gene is an established disease mechanism in autosomal recessive hearing loss. In summary, although additional studies are required to fully establish its clinical significance, this variant meets criteria to be classified as likely pathogenic for autosomal recessive hearing loss. ACMG/AMP Criteria applied: PVS1, PM2.

Literature cited by the submitters: PubMed 17546645 (cited by Labcorp Genetics (formerly Invitae), Labcorp); PubMed 31980526 (cited by Laboratory for Molecular Medicine, Mass General Brigham Personalized Medicine).